The following is an entry in ClinVar:

NM_001110556.2(FLNA):c.4811A>G (p.Tyr1604Cys)

Gene: FLNA (filamin A; minus strand). Cytogenetic location: Xq28.
Variant type: single nucleotide variant.
Coding change: c.4811A>G on transcript NM_001110556.2 (MANE Select); coding-DNA position 4811, A replaced by G.
Protein change: p.Tyr1604Cys; replaces tyrosine 1604 with cysteine.
Molecular consequence: missense variant.
Genome position (GRCh38, 1-based): chrX:154,357,568, T>C on the plus strand (A>G on the coding strand, the complement: FLNA is on the minus strand). VCF-style: chrX-154357568-T-C. GRCh37 (hg19) VCF-style: chrX-153585936-T-C.
Other names: c.4811A>G (NM_001456.3); c.4811A>G, p.Tyr1604Cys (NM_001456.4); short protein forms Y1604C.
Identifiers: ClinVar variation 4854761 (VCV004854761.2).

ClinVar aggregate classification (germline): Uncertain significance. Review status: criteria provided, multiple submitters, no conflicts (2 of 4 stars). 2 submissions from 2 submitters: Uncertain significance (2). Last evaluated 2026-04-14.

Conditions:
Frontometaphyseal dysplasia 1 (FMD1). Also called: Frontometaphyseal Dysplasia (FLNA-FMD). Identifiers: Orphanet 1826, MedGen C4281559, MONDO:0024550, OMIM 305620.

gnomAD v4.1: 1 of 1,211,959 alleles (0.000083%); highest among the groups gnomAD compares: Non-Finnish European, 0.00011%; no homozygotes.

Submissions (2):

GeneDx
Classification: Uncertain significance. Last evaluated: 2026-04-14. Review status: criteria provided, single submitter. Criteria: GeneDx Variant Classification Process June 2021. Collection method: clinical testing. Allele origin: germline.
Comment: Not observed at significant frequency in large population cohorts (gnomAD); In silico analysis supports that this missense variant has a deleterious effect on protein structure/function; Has not been previously published as pathogenic or benign to our knowledge

3billion
Classification: Uncertain significance for Frontometaphyseal dysplasia 1. Last evaluated: 2025-07-25. Review status: criteria provided, single submitter. Criteria: ACMG Guidelines, 2015. Collection method: clinical testing. Allele origin: germline. Affected: yes.
Comment: The variant is observed at an extremely low frequency in the gnomAD v4.1.0 dataset (total allele frequency: <0.001%). Predicted Consequence/Location: Missense variant In silico tool predictions suggest damaging effect of the variant on gene or gene product [REVEL: 0.86 (>=0.6, sensitivity 0.68 and specificity 0.92)]. Therefore, this variant is classified as VUS according to the recommendation of ACMG/AMP guideline.